The following is an entry in ClinVar:

ClinVar aggregate classification (germline): Benign/Likely benign. Review status: criteria provided, multiple submitters, no conflicts (2 of 4 stars). 4 submissions from 4 submitters: Benign (1); Likely benign (3). Last evaluated 2025-05-18.

Conditions:
Hereditary cancer-predisposing syndrome. Also called: Neoplastic Syndromes, Hereditary; Hereditary neoplastic syndrome; Tumor predisposition; Hereditary Cancer Syndrome. Identifiers: Orphanet 140162, MedGen C0027672, MeSH D009386, MONDO:0015356.
Hereditary diffuse gastric adenocarcinoma (HDGC). Also called: DIFFUSE GASTRIC AND LOBULAR BREAST CANCER SYNDROME. Identifiers: Orphanet 26106, MedGen C1708349, MONDO:0007648, OMIM 137215.

gnomAD v4.1: 5 of 1,614,248 alleles (0.00031%); highest among the groups gnomAD compares: Non-Finnish European, 0.00042%; no homozygotes.

Submissions (4):

Ambry Genetics
Classification: Likely benign for Hereditary cancer-predisposing syndrome. Last evaluated: 2025-05-18. Review status: criteria provided, single submitter. Criteria: Ambry Variant Classification Scheme 2023. Collection method: clinical testing. Allele origin: germline.

Blueprint Genetics
Classification: Likely benign. Last evaluated: 2024-11-06. Review status: criteria provided, single submitter. Criteria: ACMG Guidelines, 2015. Collection method: clinical testing. Allele origin: germline.

Myriad Genetics, Inc.
Classification: Benign for Hereditary diffuse gastric adenocarcinoma. Last evaluated: 2024-10-10. Review status: criteria provided, single submitter. Criteria: Myriad Autosomal Dominant, Autosomal Recessive and X-Linked Classification Criteria (2023). Collection method: clinical testing. Allele origin: unknown.
Comment: This variant is considered benign. This variant is a silent/synonymous amino acid change and it is not expected to impact splicing.

Labcorp Genetics (formerly Invitae), Labcorp
Classification: Likely benign. Last evaluated: 2022-03-25. Review status: criteria provided, single submitter. Criteria: Invitae Variant Classification Sherloc (09022015). Collection method: clinical testing. Allele origin: germline.

NM_001903.5(CTNNA1):c.756C>G (p.Val252=)

Gene: CTNNA1 (catenin alpha 1; plus strand). Cytogenetic location: 5q31.2.
Variant type: single nucleotide variant.
Coding change: c.756C>G on transcript NM_001903.5 (MANE Select); coding-DNA position 756, C replaced by G.
Protein change: p.Val252=; no amino-acid change (valine 252 retained).
Molecular consequence: synonymous variant.
Genome position (GRCh38, 1-based): chr5:138,824,697, C>G. VCF-style: chr5-138824697-C-G. GRCh37 (hg19) VCF-style: chr5-138160386-C-G.
Other names: c.756C>G, p.Val252= (NM_001290307.3, NM_001323982.2, NM_001323983.1 and 3 more transcripts); c.447C>G, p.Val149= (NM_001290309.3); c.387C>G, p.Val129= (NM_001290310.3); c.756C>G (NM_001903.2).
Identifiers: ClinVar variation 2116687 (VCV002116687.7), dbSNP rs2532425317, ClinGen allele CA446594927.